The following is an entry in ClinVar:

NM_138295.5(PKD1L1):c.2565del (p.Trp855fs)

Gene: PKD1L1 (polycystin 1 like 1, transient receptor potential channel interacting; minus strand). Cytogenetic location: 7p12.3.
Variant type: Deletion.
Coding change: c.2565del on transcript NM_138295.5 (MANE Select); coding-DNA position 2565, one base deleted (G; older notation c.2565delG).
Protein change: p.Trp855fs; shifts the reading frame from tryptophan 855.
Molecular consequence: frameshift variant.
Genome position (GRCh38, 1-based): chr7:47,890,652, C deleted on the plus strand (G on the coding strand, the reverse complement: PKD1L1 is on the minus strand); the first of 2 consecutive C bases (chr7:47,890,652-47,890,653); deleting either gives the same sequence. VCF-style (leftmost placement, unchanged base first): chr7-47890651-GC-G. GRCh37 (hg19) VCF-style: chr7-47930249-GC-G.
Other names: short protein forms W855fs.
Identifiers: ClinVar variation 2633490 (VCV002633490.1), dbSNP rs2484097162, ClinGen allele CA2695198484.

ClinVar aggregate classification (germline): Likely pathogenic (1 of 4 stars; one submission).

Conditions:
PKD1L1-related disorder. Also called: PKD1L1-related condition.

Submission:

PreventionGenetics, part of Exact Sciences
Classification: Likely pathogenic for PKD1L1-related condition. Last evaluated: 2023-03-14. Review status: criteria provided, single submitter. Criteria: ACMG Guidelines, 2015. Collection method: clinical testing. Allele origin: germline.
Comment: The PKD1L1 c.2565delG variant is predicted to result in a frameshift and premature protein termination (p.Trp855Cysfs*11). To our knowledge, this variant has not been reported in the literature or in a large population database, indicating this variant is rare. Frameshift variants in PKD1L1 are expected to be pathogenic. This variant is interpreted as likely pathogenic.